The following is an entry in ClinVar:

ClinVar aggregate classification (germline): Uncertain significance. Review status: criteria provided, multiple submitters, no conflicts (2 of 4 stars). 2 submissions from 2 submitters: Uncertain significance (2). Last evaluated 2025-08-12.

Conditions:
Inborn genetic diseases. Identifiers: MedGen C0950123, MeSH D030342.

Allele frequency attached by ClinVar (database versions not stated): ExAC 0.00002; gnomAD exomes 0.00002; TOPMed 0.00006; gnomAD 0.00010 and 0.00011.
gnomAD v4.1: 26 of 1,475,662 alleles (0.0018%); highest among the groups gnomAD compares: Admixed American, 0.042%; no homozygotes.

Submissions (2):

Ambry Genetics
Classification: Uncertain significance for Inborn genetic diseases. Last evaluated: 2025-08-12. Review status: criteria provided, single submitter. Criteria: Ambry Variant Classification Scheme 2023. Collection method: clinical testing. Allele origin: germline.

Labcorp Genetics (formerly Invitae), Labcorp
Classification: Uncertain significance. Last evaluated: 2022-01-15. Review status: criteria provided, single submitter. Criteria: Invitae Variant Classification Sherloc (09022015). Collection method: clinical testing. Allele origin: germline.
Comment: This sequence change replaces glycine, which is neutral and non-polar, with arginine, which is basic and polar, at codon 16 of the CDT1 protein (p.Gly16Arg). The frequency data for this variant in the population databases is considered unreliable, as metrics indicate poor data quality at this position in the gnomAD database. This variant has not been reported in the literature in individuals affected with CDT1-related conditions. ClinVar contains an entry for this variant (Variation ID: 1015874). Algorithms developed to predict the effect of missense changes on protein structure and function output the following: SIFT: "Tolerated"; PolyPhen-2: "Benign"; Align-GVGD: "Class C0". The arginine amino acid residue is found in multiple mammalian species, which suggests that this missense change does not adversely affect protein function. Algorithms developed to predict the effect of sequence changes on RNA splicing suggest that this variant may create or strengthen a splice site. In summary, the available evidence is currently insufficient to determine the role of this variant in disease. Therefore, it has been classified as a Variant of Uncertain Significance.

NM_030928.4(CDT1):c.46G>A (p.Gly16Arg)

Genes: CDT1 (chromatin licensing and DNA replication factor 1; plus strand), LOC130059759 (ATAC-STARR-seq lymphoblastoid silent region 7878; plus strand). Cytogenetic location: 16q24.3.
Variant type: single nucleotide variant.
Coding change: c.46G>A on transcript NM_030928.4 (MANE Select); coding-DNA position 46, G replaced by A.
Protein change: p.Gly16Arg; replaces glycine 16 with arginine.
Molecular consequence: missense variant.
Genome position (GRCh38, 1-based): chr16:88,803,877, G>A. VCF-style: chr16-88803877-G-A. GRCh37 (hg19) VCF-style: chr16-88870285-G-A.
Other names: c.46G>A (NM_030928.3); short protein forms G16R.
Identifiers: ClinVar variation 1015874 (VCV001015874.8), dbSNP rs747955522, ClinGen allele CA8233492.